The following is an entry in ClinVar:

ClinVar aggregate classification (germline): Pathogenic. Review status: criteria provided, single submitter (1 of 4 stars). 3 submissions from 3 submitters: Pathogenic (1). 2 of the submissions do not count toward it. Last evaluated 2023-05-01.

Conditions:
Fanconi anemia complementation group A (FANCA). Also called: Fanconi anemia, group A; FANCA-Related Fanconi Anemia. Identifiers: Orphanet 84, MedGen C3469521, MONDO:0009215, OMIM 227650.
Fanconi anemia (FA). Also called: Fanconi's anemia. Identifiers: Orphanet 84, MedGen C0015625, MeSH D005199, MONDO:0019391.

Submissions (3):

Labcorp Genetics (formerly Invitae), Labcorp
Classification: Pathogenic for Fanconi anemia. Last evaluated: 2023-05-01. Review status: criteria provided, single submitter. Criteria: Invitae Variant Classification Sherloc (09022015). Collection method: clinical testing. Allele origin: germline.
Comment: For these reasons, this variant has been classified as Pathogenic. This sequence change creates a premature translational stop signal (p.Val135Cysfs*46) in the FANCA gene. It is expected to result in an absent or disrupted protein product. Loss-of-function variants in FANCA are known to be pathogenic (PMID: 19367192). This variant is present in population databases (no rsID available, gnomAD 0.0009%). This premature translational stop signal has been observed in individual(s) with Fanconi anemia (PMID: 9371798). ClinVar contains an entry for this variant (Variation ID: 558097).

Leiden Open Variation Database
Classification: Pathogenic for Fanconi anemia complementation group A. Last evaluated: 2020-02-28. Review status: no assertion criteria provided. Collection method: curation. Allele origin: germline. Affected: yes. Not counted in ClinVar's aggregate classification.
Comment: Curator: Arleen D. Auerbach. Submitter to LOVD: Arleen D. Auerbach.

Counsyl
Classification: Likely pathogenic for Fanconi anemia complementation group A. Last evaluated: 2018-04-30. Review status: no assertion criteria provided. Collection method: clinical testing. Allele origin: unknown. Not counted in ClinVar's aggregate classification.

Literature cited by the submitters: PubMed 19367192 (cited by Labcorp Genetics (formerly Invitae), Labcorp); PubMed 9371798 (cited by Labcorp Genetics (formerly Invitae), Labcorp and Counsyl); PubMed 10094191 (cited by Leiden Open Variation Database).

NM_000135.4(FANCA):c.401dup (p.Val135fs)

Gene: FANCA (FA complementation group A; minus strand). Cytogenetic location: 16q24.3.
Variant type: Duplication.
Coding change: c.401dup on transcript NM_000135.4 (MANE Select); coding-DNA position 401, one base duplicated (C; older notation c.401dupC).
Protein change: p.Val135fs; shifts the reading frame from valine 135.
Molecular consequence: frameshift variant.
Genome position (GRCh38, 1-based): chr16:89,810,954, G duplicated on the plus strand (C on the coding strand, the reverse complement: FANCA is on the minus strand); the first of 3 consecutive G bases (chr16:89,810,954-89,810,956); duplicating any one gives the same sequence. VCF-style (leftmost placement, unchanged base first): chr16-89810953-A-AG. GRCh37 (hg19) VCF-style: chr16-89877361-A-AG.
Other names: c.401dupC (NM_000135.2); c.401dup, p.Val135fs (NM_001018112.3, NM_001286167.3, NM_001351830.2); c.401dup (LRG_495t1); short protein forms V135fs.
Identifiers: ClinVar variation 558097 (VCV000558097.13), dbSNP rs1555575253, ClinGen allele CA624454910.